The following is an entry in ClinVar:

NM_000494.4(COL17A1):c.4156+1G>C

Gene: COL17A1 (collagen type XVII alpha 1 chain; minus strand). Cytogenetic location: 10q25.1.
Variant type: single nucleotide variant.
Coding change: c.4156+1G>C on transcript NM_000494.4 (MANE Select); the canonical splice donor site of the intron after coding-DNA position 4156, G replaced by C.
Molecular consequence: splice donor variant.
Genome position (GRCh38, 1-based): chr10:104,033,944, C>G on the plus strand (G>C on the coding strand, the complement: COL17A1 is on the minus strand). VCF-style: chr10-104033944-C-G. GRCh37 (hg19) VCF-style: chr10-105793702-C-G.
Identifiers: ClinVar variation 2735479 (VCV002735479.4), dbSNP rs373469159, ClinGen allele CA5677706.

ClinVar aggregate classification (germline): Pathogenic/Likely pathogenic. Review status: criteria provided, multiple submitters, no conflicts (2 of 4 stars). 2 submissions from 2 submitters: Pathogenic (1); Likely pathogenic (1). Last evaluated 2024-04-16.

Conditions:
Epithelial recurrent erosion dystrophy (ERED). Also called: CORNEAL EROSIONS, RECURRING HEREDITARY. Identifiers: Orphanet 293381, MedGen C1852551, MONDO:0007381, OMIM 122400.
Epidermolysis bullosa, junctional 4, intermediate. Also called: Epidermolysis bullosa, junctional, localisata variant; EPIDERMOLYSIS BULLOSA, JUNCTIONAL 4, NON-HERLITZ TYPE; EPIDERMOLYSIS BULLOSA, GENERALIZED ATROPHIC BENIGN. Identifiers: MedGen C2608084, MONDO:0030750, OMIM 619787.

Allele frequency attached by ClinVar (database versions not stated): ESP Exome Variant Server 0.00015; 1000 Genomes Project 0.00060; 1000 Genomes Project 30x 0.00062.
gnomAD v4.1: 22 of 1,614,198 alleles (0.0014%); highest among the groups gnomAD compares: African/African-American, 0.012%; no homozygotes.

Submissions (2):

Fulgent Genetics
Classification: Likely pathogenic for Epithelial recurrent erosion dystrophy; Epidermolysis bullosa, junctional 4, intermediate. Last evaluated: 2024-04-16. Review status: criteria provided, single submitter. Criteria: ACMG Guidelines, 2015. Collection method: clinical testing. Allele origin: germline.

Labcorp Genetics (formerly Invitae), Labcorp
Classification: Pathogenic. Last evaluated: 2024-03-18. Review status: criteria provided, single submitter. Criteria: Invitae Variant Classification Sherloc (09022015). Collection method: clinical testing. Allele origin: germline.
Comment: This sequence change affects a donor splice site in intron 52 of the COL17A1 gene. It is expected to disrupt RNA splicing. Variants that disrupt the donor or acceptor splice site typically lead to a loss of protein function (PMID: 16199547), and loss-of-function variants in COL17A1 are known to be pathogenic (PMID: 16473856, 17344927, 20301304, 21357940, 24319098). This variant is present in population databases (rs373469159, gnomAD 0.03%). Disruption of this splice site has been observed in individuals with clinical features of autosomal recessive COL17A1-related conditions (PMID: 11406649, 21357940, 30673110). Algorithms developed to predict the effect of sequence changes on RNA splicing suggest that this variant may disrupt the consensus splice site. For these reasons, this variant has been classified as Pathogenic.

Literature cited by the submitters: PubMed 16199547 (cited by Labcorp Genetics (formerly Invitae), Labcorp); PubMed 16473856 (cited by Labcorp Genetics (formerly Invitae), Labcorp); PubMed 17344927 (cited by Labcorp Genetics (formerly Invitae), Labcorp); PubMed 20301304 (cited by Labcorp Genetics (formerly Invitae), Labcorp); PubMed 21357940 (cited by Labcorp Genetics (formerly Invitae), Labcorp); PubMed 24319098 (cited by Labcorp Genetics (formerly Invitae), Labcorp); PubMed 11406649 (cited by Labcorp Genetics (formerly Invitae), Labcorp); PubMed 30673110 (cited by Labcorp Genetics (formerly Invitae), Labcorp).